The following is an entry in ClinVar:

ClinVar aggregate classification (germline): Benign (1 of 4 stars; one submission).

Conditions:
Breast-ovarian cancer, familial, susceptibility to, 3. Also called: RAD51C-Related Breast/Ovarian Cancer. Identifiers: Orphanet 145, MedGen C3150659, MONDO:0013253, OMIM 613399.

Submission:

Myriad Genetics, Inc.
Classification: Benign for Breast-ovarian cancer, familial, susceptibility to, 3. Last evaluated: 2025-02-14. Review status: criteria provided, single submitter. Criteria: Myriad Autosomal Dominant, Autosomal Recessive and X-Linked Classification Criteria (2023). Collection method: clinical testing. Allele origin: unknown.
Comment: This variant is considered benign. This variant is a silent/synonymous amino acid change and it is not expected to impact splicing.

NM_058216.3(RAD51C):c.156A>C (p.Ile52=)

Gene: RAD51C (RAD51 paralog C; plus strand). Cytogenetic location: 17q22.
Variant type: single nucleotide variant.
Coding change: c.156A>C on transcript NM_058216.3 (MANE Select); coding-DNA position 156, A replaced by C.
Protein change: p.Ile52=; no amino-acid change (isoleucine 52 retained).
Molecular consequence: synonymous variant. On other transcripts: non-coding transcript variant (2).
Genome position (GRCh38, 1-based): chr17:58,694,941, A>C. VCF-style: chr17-58694941-A-C. GRCh37 (hg19) VCF-style: chr17-56772302-A-C.
Other names: c.156A>C, p.Ile52= (NM_002876.4).
Identifiers: ClinVar variation 3903976 (VCV003903976.1).